The following is an entry in ClinVar:

ClinVar aggregate classification (germline): Uncertain significance. Review status: criteria provided, multiple submitters, no conflicts (2 of 4 stars). 3 submissions from 3 submitters: Uncertain significance (3). Last evaluated 2025-02-07.

Conditions:
Inborn genetic diseases. Identifiers: MedGen C0950123, MeSH D030342.

Allele frequency attached by ClinVar (database versions not stated): gnomAD 0.00001; gnomAD exomes 0.00001 and 0.00002; TOPMed 0.00003.
gnomAD v4.1: 36 of 1,596,056 alleles (0.0023%); highest among the groups gnomAD compares: African/African-American, 0.004%; no homozygotes.

Submissions (3):

Ambry Genetics
Classification: Uncertain significance for Inborn genetic diseases. Last evaluated: 2025-02-07. Review status: criteria provided, single submitter. Criteria: Ambry Variant Classification Scheme 2023. Collection method: clinical testing. Allele origin: germline.

Blueprint Genetics
Classification: Uncertain significance. Last evaluated: 2024-09-06. Review status: criteria provided, single submitter. Criteria: ACMG Guidelines, 2015. Collection method: clinical testing. Allele origin: germline.

Labcorp Genetics (formerly Invitae), Labcorp
Classification: Uncertain significance. Last evaluated: 2022-10-13. Review status: criteria provided, single submitter. Criteria: Invitae Variant Classification Sherloc (09022015). Collection method: clinical testing. Allele origin: germline.
Comment: This sequence change replaces aspartic acid, which is acidic and polar, with asparagine, which is neutral and polar, at codon 242 of the COL18A1 protein (p.Asp242Asn). The frequency data for this variant in the population databases is considered unreliable, as metrics indicate poor data quality at this position in the gnomAD database. This variant has not been reported in the literature in individuals affected with COL18A1-related conditions. ClinVar contains an entry for this variant (Variation ID: 1390443). Experimental studies and prediction algorithms are not available or were not evaluated, and the functional significance of this variant is currently unknown. In summary, the available evidence is currently insufficient to determine the role of this variant in disease. Therefore, it has been classified as a Variant of Uncertain Significance.

NM_001379500.1(COL18A1):c.724G>A (p.Asp242Asn)

Gene: COL18A1 (collagen type XVIII alpha 1 chain; plus strand). Cytogenetic location: 21q22.3.
Variant type: single nucleotide variant.
Coding change: c.724G>A on transcript NM_001379500.1 (MANE Select); coding-DNA position 724, G replaced by A.
Protein change: p.Asp242Asn; replaces aspartic acid 242 with asparagine.
Molecular consequence: missense variant.
Genome position (GRCh38, 1-based): chr21:45,473,967, G>A. VCF-style: chr21-45473967-G-A. GRCh37 (hg19) VCF-style: chr21-46893881-G-A.
Other names: NM_130445.2:c.724G>A; c.1264G>A, p.Asp422Asn (NM_030582.4); c.1969G>A, p.Asp657Asn (NM_130444.3); short protein forms D422N, D657N, D242N.
Identifiers: ClinVar variation 1390443 (VCV001390443.5), dbSNP rs1367224866, ClinGen allele CA410513122.